The following is an entry in ClinVar:

ClinVar aggregate classification (germline): Uncertain significance (1 of 4 stars; one submission).

Conditions:
Epidermolysis bullosa simplex 5C, with pyloric atresia (EBS5C). Also called: PLEC1-Related Epidermolysis Bullosa with Pyloric Atresia; Epidermolysis bullosa simplex with pyloric atresia; PLEC-Related Epidermolysis Bullosa with Pyloric Atresia. Identifiers: Orphanet 158684, MedGen C2677349, MONDO:0012807, OMIM 612138.
Autosomal recessive limb-girdle muscular dystrophy type 2Q (LGMDR17). Also called: MUSCULAR DYSTROPHY, LIMB-GIRDLE, AUTOSOMAL RECESSIVE 17. Identifiers: Orphanet 254361, MedGen C3150989, MONDO:0013390, OMIM 613723.
Epidermolysis bullosa simplex with nail dystrophy (EBS5D). Identifiers: MedGen C4225309, MONDO:0014661, OMIM 616487.
Epidermolysis bullosa simplex 5B, with muscular dystrophy (EBS5B). Also called: Epidermolysis bullosa simplex with muscular dystrophy; EPIDERMOLYSIS BULLOSA SIMPLEX AND LIMB-GIRDLE MUSCULAR DYSTROPHY. Identifiers: Orphanet 257, MedGen C2931072, MONDO:0009181, OMIM 226670.
Epidermolysis bullosa simplex, Ogna type (EBS5A). Also called: EPIDERMOLYSIS BULLOSA SIMPLEX 5A, OGNA TYPE; Pidermolysis bullosa simplex 5A, Ogna type. Identifiers: Orphanet 79401, MedGen C0432317, MONDO:0007555, OMIM 131950.

gnomAD v4.1: 5 of 1,595,726 alleles (0.00031%); highest among the groups gnomAD compares: Non-Finnish European, 0.00017%; no homozygotes.

Submission:

Labcorp Genetics (formerly Invitae), Labcorp
Classification: Uncertain significance for Autosomal recessive limb-girdle muscular dystrophy type 2Q; Epidermolysis bullosa simplex, Ogna type; Epidermolysis bullosa simplex with nail dystrophy; Epidermolysis bullosa simplex 5C, with pyloric atresia; Epidermolysis bullosa simplex 5B, with muscular dystrophy. Last evaluated: 2023-04-03. Review status: criteria provided, single submitter. Criteria: Invitae Variant Classification Sherloc (09022015). Collection method: clinical testing. Allele origin: germline.
Comment: ClinVar contains an entry for this variant (Variation ID: 843443). Advanced modeling of protein sequence and biophysical properties (such as structural, functional, and spatial information, amino acid conservation, physicochemical variation, residue mobility, and thermodynamic stability) performed at Invitae indicates that this missense variant is not expected to disrupt PLEC protein function. In summary, the available evidence is currently insufficient to determine the role of this variant in disease. Therefore, it has been classified as a Variant of Uncertain Significance. This variant has not been reported in the literature in individuals affected with PLEC-related conditions. This sequence change replaces glycine, which is neutral and non-polar, with glutamic acid, which is acidic and polar, at codon 1500 of the PLEC protein (p.Gly1500Glu). This variant is not present in population databases (gnomAD no frequency).

NM_201384.3(PLEC):c.4418G>A (p.Gly1473Glu)

Gene: PLEC (plectin; minus strand). Cytogenetic location: 8q24.3.
Variant type: single nucleotide variant.
Coding change: c.4418G>A on transcript NM_201384.3 (MANE Select); coding-DNA position 4418, G replaced by A.
Protein change: p.Gly1473Glu; replaces glycine 1473 with glutamic acid.
Molecular consequence: missense variant.
Genome position (GRCh38, 1-based): chr8:143,925,511, C>T on the plus strand (G>A on the coding strand, the complement: PLEC is on the minus strand). VCF-style: chr8-143925511-C-T. GRCh37 (hg19) VCF-style: chr8-144999679-C-T.
Other names: c.4499G>A, p.Gly1500Glu (NM_000445.5); c.4376G>A, p.Gly1459Glu (NM_201378.4); c.4352G>A, p.Gly1451Glu (NM_201379.3); c.4829G>A, p.Gly1610Glu (NM_201380.4); c.4322G>A, p.Gly1441Glu (NM_201381.3); c.4418G>A, p.Gly1473Glu (NM_201382.4); c.4430G>A, p.Gly1477Glu (NM_201383.3); short protein forms G1451E, G1500E, G1477E, G1441E, G1459E, G1473E, G1610E.
Identifiers: ClinVar variation 843443 (VCV000843443.6), dbSNP rs868991549, ClinGen allele CA372557155.
Genomic context (GRCh38, chr8:143,925,511, plus strand): 5'-TGCGCCTGTCGCTTTTGTGCCTCAGCCTCCTCCGCCCGTGCACGCAGTGCCTGCAGCTCC[C>T]CCTCAGCCCCGCCACGCTGGCGCTCGGTGGCCTCCAACTGCAGGCGCACCACGCGGATCT-3'
Protein context (NP_958786.1, residues 1463-1483): ATERQRGGAE[Gly1473Glu]ELQALRARAE